The following is an entry in ClinVar:

ClinVar aggregate classification (germline): Uncertain significance (1 of 4 stars; one submission).

Conditions:
Inborn genetic diseases. Identifiers: MedGen C0950123, MeSH D030342.

Submission:

Ambry Genetics
Classification: Uncertain significance for Inborn genetic diseases. Last evaluated: 2026-08-31. Review status: criteria provided, single submitter. Criteria: Ambry Variant Classification Scheme 2023. Collection method: clinical testing. Allele origin: germline.
Comment: The p.P470S variant (also known as c.1408C>T), located in coding exon 1 of the SAMD9L gene, results from a C to T substitution at nucleotide position 1408. The proline at codon 470 is replaced by serine, an amino acid with similar properties. This amino acid position is conserved. In addition, this alteration is predicted to be tolerated by in silico analysis. Based on the available evidence, the clinical significance of this variant remains unclear.

NM_152703.5(SAMD9L):c.1408C>T (p.Pro470Ser)

Gene: SAMD9L (sterile alpha motif domain containing 9 like; minus strand). Cytogenetic location: 7q21.2.
Variant type: single nucleotide variant.
Coding change: c.1408C>T on transcript NM_152703.5 (MANE Select); coding-DNA position 1408, C replaced by T.
Protein change: p.Pro470Ser; replaces proline 470 with serine.
Molecular consequence: missense variant.
Genome position (GRCh38, 1-based): chr7:93,134,564, G>A on the plus strand (C>T on the coding strand, the complement: SAMD9L is on the minus strand). VCF-style: chr7-93134564-G-A. GRCh37 (hg19) VCF-style: chr7-92763877-G-A.
Other names: c.1408C>T, p.Pro470Ser (NM_001303496.3, NM_001303497.3, NM_001303498.3 and 5 more transcripts); short protein forms P470S.
Identifiers: ClinVar variation 5028977 (VCV005028977.1).